The following is an entry in ClinVar:

ClinVar aggregate classification (germline): Uncertain significance (1 of 4 stars; one submission).

gnomAD v4.1: 2 of 1,551,604 alleles (0.00013%); highest among the groups gnomAD compares: Admixed American, 0.0039%; no homozygotes.

Submission:

Quest Diagnostics Nichols Institute San Juan Capistrano
Classification: Uncertain significance. Last evaluated: 2023-11-21. Review status: criteria provided, single submitter. Criteria: Quest Diagnostics criteria. Collection method: clinical testing. Allele origin: unknown.
Comment: The FANCA c.1952G>C (p.Gly651Ala) variant has not been reported in individuals with FANCA-related conditions in the published literature. The frequency of this variant in the general population, 0.000081 (2/24752 chromosomes (Genome Aggregation Database)), is uninformative in the assessment of its pathogenicity. Analysis of this variant using bioinformatics tools for the prediction of the effect of amino acid changes on protein structure and function yielded predictions that this variant is benign. Based on the available information, we are unable to determine the clinical significance of this variant.

NM_000135.4(FANCA):c.1952G>C (p.Gly651Ala)

Gene: FANCA (FA complementation group A; minus strand). Cytogenetic location: 16q24.3.
Variant type: single nucleotide variant.
Coding change: c.1952G>C on transcript NM_000135.4 (MANE Select); coding-DNA position 1952, G replaced by C.
Protein change: p.Gly651Ala; replaces glycine 651 with alanine.
Molecular consequence: missense variant.
Genome position (GRCh38, 1-based): chr16:89,773,333, C>G on the plus strand (G>C on the coding strand, the complement: FANCA is on the minus strand). VCF-style: chr16-89773333-C-G. GRCh37 (hg19) VCF-style: chr16-89839741-C-G.
Other names: c.1952G>C, p.Gly651Ala (NM_001286167.3); short protein forms G651A.
Identifiers: ClinVar variation 3572387 (VCV003572387.1).